The following is an entry in ClinVar:

NM_005120.3(MED12):c.3930A>C (p.Pro1310=)

Gene: MED12 (mediator complex subunit 12; plus strand). Cytogenetic location: Xq13.1.
Variant type: single nucleotide variant.
Coding change: c.3930A>C on transcript NM_005120.3 (MANE Select); coding-DNA position 3930, A replaced by C.
Protein change: p.Pro1310=; no amino-acid change (proline 1310 retained).
Molecular consequence: synonymous variant.
Genome position (GRCh38, 1-based): chrX:71,130,097, A>C. VCF-style: chrX-71130097-A-C. GRCh37 (hg19) VCF-style: chrX-70349947-A-C.
Other names: p.Pro1310=.
Identifiers: ClinVar variation 95248 (VCV000095248.35), dbSNP rs5030619, ClinGen allele CA285642.
Genomic context (GRCh38, chrX:71,130,097, plus strand): 5'-ATGGGTAGGAGAACGTTGCCTTAAGTCTCTGTGTGAGGACAGCAATGACCTGCAAGACCC[A>C]GTGTTGAGTAGTGCCCAGGCGCAGCGCCTCATGCAGCTCATTTGCTATCCACATCGACTG-3'
Protein context (NP_005111.2, residues 1300-1320): LCEDSNDLQD[Pro1310=]VLSSAQAQRL

ClinVar aggregate classification (germline): Benign. Review status: criteria provided, multiple submitters, no conflicts (2 of 4 stars). 13 submissions from 11 submitters: Benign (10). 3 of the submissions do not count toward it. Last evaluated 2026-02-04.

Conditions:
Blepharophimosis - intellectual disability syndrome, MKB type. Also called: BLEPHAROPHIMOSIS-MENTAL RETARDATION SYNDROME, MAAT-KIEVIT-BRUNNER TYPE; X-Linked Ohdo Syndrome (XLOS); Ohdo syndrome, X-linked. Identifiers: Orphanet 293707, MedGen C3698541, MONDO:0010477, OMIM 300895.
FG syndrome 1 (OKS). Also called: OPITZ-KAVEGGIA SYNDROME; KELLER SYNDROME; FG Syndrome Type 1 (FGS1); MENTAL RETARDATION, LARGE HEAD, IMPERFORATE ANUS, CONGENITAL HYPOTONIA, AND PARTIAL AGENESIS OF CORPUS CALLOSUM. Identifiers: Orphanet 93932, MedGen C5399762, MONDO:0010590, OMIM 305450.
X-linked intellectual disability with marfanoid habitus. Also called: X-linked mental retardation with marfanoid habitus syndrome; INTELLECTUAL DEVELOPMENTAL DISORDER, X-LINKED, SYNDROMIC, LUJAN-FRYNS TYPE; Lujan Syndrome (LS); Lujan Syndrome. Identifiers: Orphanet 776, MedGen C0796022, MONDO:0010655, OMIM 309520.
FG syndrome (FGS). Identifiers: MedGen C0220769, MONDO:0002010.
Familial thoracic aortic aneurysm and aortic dissection (TAAD). Also called: Thoracic aortic aneurysms and dissections. Identifiers: Orphanet 91387, MedGen C4707243, MONDO:0019625.

Allele frequency attached by ClinVar (database versions not stated): 1000 Genomes Project 0.11099; 1000 Genomes Project 30x 0.11488; TOPMed 0.20744; gnomAD 0.21611 and 0.21992; gnomAD exomes 0.22031 and 0.28715; ESP Exome Variant Server 0.22591; ExAC 0.24611.
gnomAD v4.1: 338,495 of 1,206,739 alleles (28%); highest among the groups gnomAD compares: Middle Eastern, 41%; 36,144 homozygotes.

Submissions (13):

Labcorp Genetics (formerly Invitae), Labcorp
Classification: Benign for FG syndrome. Last evaluated: 2026-02-04. Review status: criteria provided, single submitter. Criteria: Invitae Variant Classification Sherloc (09022015). Collection method: clinical testing. Allele origin: germline.

Blueprint Genetics
Classification: Benign. Last evaluated: 2024-11-28. Review status: criteria provided, single submitter. Criteria: ACMG Guidelines, 2015. Collection method: clinical testing. Allele origin: germline.

Mayo Clinic Laboratories, Mayo Clinic
Classification: Benign. Last evaluated: 2022-04-26. Review status: criteria provided, single submitter. Criteria: ACMG Guidelines, 2015. Collection method: clinical testing. Allele origin: germline. Observed: 291 variant alleles.

Genome-Nilou Lab
Classification: Benign for X-linked intellectual disability with marfanoid habitus. Last evaluated: 2021-09-05. Review status: criteria provided, single submitter. Criteria: ACMG Guidelines, 2015. Collection method: clinical testing. Allele origin: germline. Affected: no.

Genome-Nilou Lab
Classification: Benign for Blepharophimosis - intellectual disability syndrome, MKB type. Last evaluated: 2021-09-05. Review status: criteria provided, single submitter. Criteria: ACMG Guidelines, 2015. Collection method: clinical testing. Allele origin: germline. Affected: no.

Genome-Nilou Lab
Classification: Benign for FG syndrome 1. Last evaluated: 2021-09-05. Review status: criteria provided, single submitter. Criteria: ACMG Guidelines, 2015. Collection method: clinical testing. Allele origin: germline. Affected: no.

Ambry Genetics
Classification: Benign for Familial thoracic aortic aneurysm and aortic dissection. Last evaluated: 2014-12-30. Review status: criteria provided, single submitter. Criteria: Ambry Variant Classification Scheme 2023. Collection method: clinical testing. Allele origin: germline.

Eurofins Ntd Llc (ga)
Classification: Benign. Last evaluated: 2014-01-14. Review status: criteria provided, single submitter. Criteria: EGL Classification Definitions 2015. Collection method: clinical testing. Allele origin: germline. Observed: 12 variant alleles, 1 heterozygote, 11 hemizygotes.

Breakthrough Genomics
Classification: Benign. Review status: criteria provided, single submitter. Criteria: ACMG Guidelines, 2015. Collection method: not provided. Allele origin: germline. Inheritance: X-linked inheritance. Affected: yes.

PreventionGenetics, part of Exact Sciences
Classification: Benign. Review status: criteria provided, single submitter. Criteria: ACMG Guidelines, 2015. Collection method: clinical testing. Allele origin: germline.

Diagnostic Laboratory, Department of Genetics, University Medical Center Groningen
Classification: Benign. Review status: no assertion criteria provided. Collection method: clinical testing. Allele origin: germline. Affected: yes. Study: VKGL Data-share Consensus. Not counted in ClinVar's aggregate classification.

Genetic Services Laboratory, University of Chicago
Classification: Likely benign for AllHighlyPenetrant. Review status: no assertion criteria provided. Collection method: clinical testing. Allele origin: germline. Inheritance: X-linked inheritance. Not counted in ClinVar's aggregate classification.
Comment: Likely benign based on allele frequency in 1000 Genomes Project or ESP global frequency and its presence in a patient with a rare or unrelated disease phenotype. NOT Sanger confirmed.

Joint Genome Diagnostic Labs from Nijmegen and Maastricht, Radboudumc and MUMC+
Classification: Benign. Review status: no assertion criteria provided. Collection method: clinical testing. Allele origin: germline. Affected: yes. Study: VKGL Data-share Consensus. Not counted in ClinVar's aggregate classification.